The following is an entry in ClinVar:

ClinVar aggregate classification (germline): Uncertain significance (1 of 4 stars; one submission).

Conditions:
Dilated cardiomyopathy 1AA (CMD1AA). Also called: CARDIOMYOPATHY, DILATED, 1AA, WITH OR WITHOUT LEFT VENTRICULAR NONCOMPACTION; CARDIOMYOPATHY, FAMILIAL HYPERTROPHIC, 23, WITH OR WITHOUT LEFT VENTRICULAR NONCOMPACTION; Cardiomyopathy, dilated, 1AA, with or without LVNC. Identifiers: Orphanet 154, MedGen C2677338, MONDO:0012808, OMIM 612158.

Allele frequency attached by ClinVar (database versions not stated): TOPMed below 0.00001.
gnomAD v4.1: 2 of 1,614,176 alleles (0.00012%); highest among the groups gnomAD compares: Non-Finnish European, 0.00017%; no homozygotes.

Submission:

Servicio Canario de Salud, Hospital Universitario Nuestra Sra. de Candelaria
Classification: Uncertain significance for Dilated cardiomyopathy 1AA. Last evaluated: 2022-11-17. Review status: criteria provided, single submitter. Criteria: ACMG Guidelines, 2015. Collection method: clinical testing. Allele origin: germline. Inheritance: Autosomal dominant inheritance. Affected: yes. Observed: 1 heterozygote.
Comment: This variant has never been reported in ACTN2 related-disorders. This variant was absent from large population studies (gnomAD no frequency). ClinVar doesn´t contain entries for this variant. In addition, the in silico prediction for this alteration is inconclusive and to date there are no functional/experimental studies. In summary, the available evidence for c.2407C>T (p.Pro803Ser) ACTN2 variant is currently insufficient to determine the role of this variant in disease. Therefore, it has been classified as a Variant of Uncertain Significance.

NM_001103.4(ACTN2):c.2407C>T (p.Pro803Ser)

Gene: ACTN2 (actinin alpha 2; plus strand). Cytogenetic location: 1q43.
Variant type: single nucleotide variant.
Coding change: c.2407C>T on transcript NM_001103.4 (MANE Select); coding-DNA position 2407, C replaced by T.
Protein change: p.Pro803Ser; replaces proline 803 with serine.
Molecular consequence: missense variant.
Genome position (GRCh38, 1-based): chr1:236,761,054, C>T. VCF-style: chr1-236761054-C-T. GRCh37 (hg19) VCF-style: chr1-236924354-C-T.
Other names: c.2407C>T, p.Pro803Ser (NM_001278343.2); c.1783C>T, p.Pro595Ser (NM_001278344.2); c.1657C>T, p.Pro553Ser (NM_001412150.1); short protein forms P553S, P595S, P803S.
Identifiers: ClinVar variation 1804168 (VCV001804168.2), dbSNP rs1659689611, ClinGen allele CA345390734.